The following is an entry in ClinVar:

NM_000051.4(ATM):c.2002G>A (p.Glu668Lys)

Gene: ATM (ATM serine/threonine kinase; plus strand). Cytogenetic location: 11q22.3.
Variant type: single nucleotide variant.
Coding change: c.2002G>A on transcript NM_000051.4 (MANE Select); coding-DNA position 2002, G replaced by A.
Protein change: p.Glu668Lys; replaces glutamic acid 668 with lysine.
Molecular consequence: missense variant.
Genome position (GRCh38, 1-based): chr11:108,253,917, G>A. VCF-style: chr11-108253917-G-A. GRCh37 (hg19) VCF-style: chr11-108124644-G-A.
Other names: c.2002G>A, p.Glu668Lys (NM_001351834.2); short protein forms E668K.
Identifiers: ClinVar variation 232506 (VCV000232506.5), dbSNP rs876659808, ClinGen allele CA10579036.

ClinVar aggregate classification (germline): Uncertain significance (1 of 4 stars; one submission).

Conditions:
Hereditary cancer-predisposing syndrome. Also called: Neoplastic Syndromes, Hereditary; Tumor predisposition; Hereditary Cancer Syndrome; Hereditary neoplastic syndrome. Identifiers: Orphanet 140162, MedGen C0027672, MeSH D009386, MONDO:0015356.

Submission:

Ambry Genetics
Classification: Uncertain significance for Hereditary cancer-predisposing syndrome. Last evaluated: 2015-06-23. Review status: criteria provided, single submitter. Criteria: Ambry Variant Classification Scheme 2023. Collection method: clinical testing. Allele origin: germline.
Comment: The p.E668K variant (also known as c.2002G>A), located in coding exon 12 of the ATM gene, results from a G to A substitution at nucleotide position 2002. The glutamic acid at codon 668 is replaced by lysine, an amino acid with similar properties. This variant was not reported in population based cohorts in the following databases: Database of Single Nucleotide Polymorphisms (dbSNP), NHLBI Exome Sequencing Project (ESP), and 1000 Genomes Project. In the ESP, this variant was not observed in 6499 samples (12998 alleles) with coverage at this position. To date, this alteration has been detected with an allele frequency of approximately 0.002% (greater than 66000 alleles tested) in our clinical cohort. This amino acid position is not well conserved in available vertebrate species. In addition, this alteration is predicted to be tolerated by in silico analysis. Since supporting evidence is limited at this time, the clinical significance of p.E668K remains unclear.